The following is an entry in ClinVar:

ClinVar aggregate classification (germline): Benign. Review status: reviewed by expert panel (3 of 4 stars). 20 submissions from 19 submitters: Benign (1). 19 of the submissions do not count toward it. Last evaluated 2017-06-29.

Conditions:
Hereditary cancer-predisposing syndrome. Also called: Hereditary Cancer Syndrome; Tumor predisposition; Neoplastic Syndromes, Hereditary; Hereditary neoplastic syndrome. Identifiers: Orphanet 140162, MedGen C0027672, MeSH D009386, MONDO:0015356.
Breast and/or ovarian cancer. Identifiers: MedGen CN221562.
Hereditary breast ovarian cancer syndrome. Also called: Breast and ovarian cancer; BRCA1- and BRCA2-Associated Hereditary Breast and Ovarian Cancer; Hereditary breast and ovarian cancer; Hereditary breast and ovarian cancer syndrome (HBOC); Hereditary breast and ovarian cancer syndrome; Hereditary breast and/or ovarian cancer syndrome. Identifiers: Orphanet 145, MedGen C0677776, MeSH D061325, MONDO:0003582. Disease mechanism: loss of function.
Fanconi anemia complementation group D1. Also called: BRCA2-Related Fanconi Anemia. Identifiers: Orphanet 319462, MedGen C1838457, MONDO:0011584, OMIM 605724.
Breast-ovarian cancer, familial, susceptibility to, 2 (BROVCA2). Also called: BRCA2 Hereditary Breast and Ovarian Cancer. Identifiers: Orphanet 145, MedGen C2675520, MONDO:0012933, OMIM 612555. Disease mechanism: loss of function.

Allele frequency attached by ClinVar (database versions not stated): ESP Exome Variant Server 0.00023; gnomAD 0.00035; TOPMed 0.00046.
gnomAD v4.1: 115 of 1,614,138 alleles (0.0071%); highest among the groups gnomAD compares: African/African-American, 0.12%; no homozygotes.

Submissions (20):

Evidence-based Network for the Interpretation of Germline Mutant Alleles (ENIGMA)
Classification: Benign for Breast-ovarian cancer, familial, susceptibility to, 2. Last evaluated: 2017-06-29. Review status: reviewed by expert panel. Criteria: ENIGMA BRCA1/2 Classification Criteria (2017-06-29). Collection method: curation. Allele origin: germline.
Comment: Synonymous substitution variant, with low bioinformatic likelihood to alter mRNA splicing (splicing prior 0.02) and frequency 0.0011 (African), derived from ExAC (2014-12-17).

Institute for Biomarker Research, Medical Diagnostic Laboratories, L.L.C.
Classification: Likely benign for Hereditary breast ovarian cancer syndrome. Last evaluated: 2026-05-05. Review status: criteria provided, single submitter. Criteria: ACMG Guidelines, 2015. Collection method: clinical testing. Allele origin: germline. Not counted in ClinVar's aggregate classification.
Comment: The synonymous variant NM_000059.3(BRCA2):c.9924C>T (p.Tyr3308=) has been reported to ClinVar as Benign with a status of (3 stars) reviewed by expert panel (Accession: VCV000052917.71). The p.Tyr3308= variant is observed in 89/75,020 (0.1186%) alleles from individuals of gnomAD v4 African background in gnomAD v4 All, which is greater than expected for the disorder. The p.Tyr3308= variant is not predicted to disrupt an existing splice site. The p.Tyr3308= variant results in a substitution of a base that is not predicted conserved by GERP++ and PhyloP. For these reasons, this variant has been classified as Likely Benign.

Labcorp Genetics (formerly Invitae), Labcorp
Classification: Benign for Hereditary breast ovarian cancer syndrome. Last evaluated: 2026-02-03. Review status: criteria provided, single submitter. Criteria: Invitae Variant Classification Sherloc (09022015). Collection method: clinical testing. Allele origin: germline. Not counted in ClinVar's aggregate classification.

Blueprint Genetics
Classification: Likely benign. Last evaluated: 2024-10-02. Review status: criteria provided, single submitter. Criteria: ACMG Guidelines, 2015. Collection method: clinical testing. Allele origin: germline. Not counted in ClinVar's aggregate classification.

CeGaT Center for Human Genetics Tuebingen
Classification: Likely benign. Last evaluated: 2023-08-01. Review status: criteria provided, single submitter. Criteria: CeGaT Center For Human Genetics Tuebingen Variant Classification Criteria Version 2. Collection method: clinical testing. Allele origin: germline. Affected: yes. Observed: 1 variant allele. Not counted in ClinVar's aggregate classification.
Comment: BRCA2: BP4, BP7

CHEO Genetics Diagnostic Laboratory, Children's Hospital of Eastern Ontario
Classification: Likely benign for Breast and/or ovarian cancer. Last evaluated: 2022-08-08. Review status: criteria provided, single submitter. Criteria: ACMG Guidelines, 2015. Collection method: clinical testing. Allele origin: germline. Not counted in ClinVar's aggregate classification.

National Health Laboratory Service, Universitas Academic Hospital and University of the Free State
Classification: Benign for Hereditary breast ovarian cancer syndrome. Last evaluated: 2022-04-19. Review status: criteria provided, single submitter. Criteria: ACMG Guidelines, 2015. Collection method: clinical testing. Allele origin: germline. Affected: yes. Observed: 3 variant alleles. Not counted in ClinVar's aggregate classification.

Sema4
Classification: Likely benign for Hereditary cancer-predisposing syndrome. Last evaluated: 2021-07-12. Review status: criteria provided, single submitter. Criteria: Sema4 Curation Guidelines. Collection method: curation. Allele origin: germline. Not counted in ClinVar's aggregate classification.

Genetic Services Laboratory, University of Chicago
Classification: Likely benign. Last evaluated: 2021-05-03. Review status: criteria provided, single submitter. Criteria: ACMG Guidelines, 2015. Collection method: clinical testing. Allele origin: germline. Affected: no. Not counted in ClinVar's aggregate classification.

Mendelics
Classification: Likely benign for Breast-ovarian cancer, familial, susceptibility to, 2. Last evaluated: 2019-05-28. Review status: criteria provided, single submitter. Criteria: Mendelics Assertion Criteria 2017. Collection method: clinical testing. Allele origin: unknown. Not counted in ClinVar's aggregate classification.

Illumina Laboratory Services, Illumina
Classification: Uncertain significance for Fanconi anemia complementation group D1. Last evaluated: 2017-04-27. Review status: criteria provided, single submitter. Criteria: ICSL Variant Classification Criteria 13 December 2019. Collection method: clinical testing. Allele origin: germline. Not counted in ClinVar's aggregate classification.

Illumina Laboratory Services, Illumina
Classification: Uncertain significance for Breast-ovarian cancer, familial, susceptibility to, 2. Last evaluated: 2017-04-27. Review status: criteria provided, single submitter. Criteria: ICSL Variant Classification Criteria 13 December 2019. Collection method: clinical testing. Allele origin: germline. Not counted in ClinVar's aggregate classification.
Comment: This variant was observed as part of a predisposition screen in an ostensibly healthy population. A literature search was performed for the gene, cDNA change, and amino acid change (where applicable). Publications were found based on this search. However, the evidence from the literature, in combination with allele frequency data from public databases where available, was not sufficient to rule this variant in or out of causing disease. Therefore, this variant is classified as a variant of unknown significance.

Women's Health and Genetics/Laboratory Corporation of America, LabCorp
Classification: Likely benign. Last evaluated: 2016-12-30. Review status: criteria provided, single submitter. Criteria: LabCorp Variant Classification Summary - May 2015. Collection method: clinical testing. Allele origin: germline. Not counted in ClinVar's aggregate classification.
Comment: Variant summary: The BRCA2 c.9924C>T (p.Tyr3308Tyr) variant causes a synonymous change involving a non-conserved nucleotide, which 5/5 splice prediction tools predict no significant impact on normal splicing and no alterations to ESE binding, although these predictions have yet to be functionally assessed. The variant of interest was observed in the large, broad control population, ExAC, with an allele frequency of 10/121266 (1/12127), predominantly in the African cohort, 10/10372 (1/1037), which does exceed the estimated maximal expected allele frequency for a pathogenic BRCA2 variant of 1/1333. Therefore, suggesting that the variant is likely a benign polymorphism found in population(s) of African origin. The variant of interest has been reported in affected individual(s) via publications although with limited additional information (ie, cosegregation and co-occurrence data). However, a functional study found the variant to not differ from control cells (WT) in terms of sensitivity to MMC and etoposide, and RAD51 focus formation. In addition, multiple clinical diagnostic laboratories cite the variant as "benign." Therefore, the variant of interest has been classified as "Likely Benign."

ARUP Laboratories, Molecular Genetics and Genomics, ARUP Laboratories
Classification: Benign. Last evaluated: 2016-11-17. Review status: criteria provided, single submitter. Criteria: ARUP Molecular Germline Variant Investigation Process. Collection method: clinical testing. Allele origin: germline. Not counted in ClinVar's aggregate classification.

Color Diagnostics, LLC DBA Color Health
Classification: Benign for Hereditary cancer-predisposing syndrome. Last evaluated: 2015-08-17. Review status: criteria provided, single submitter. Criteria: ACMG Guidelines, 2015. Collection method: clinical testing. Allele origin: germline. Not counted in ClinVar's aggregate classification.

Ambry Genetics
Classification: Likely benign for Hereditary cancer-predisposing syndrome. Last evaluated: 2014-06-19. Review status: criteria provided, single submitter. Criteria: Ambry Variant Classification Scheme 2023. Collection method: clinical testing. Allele origin: germline. Not counted in ClinVar's aggregate classification.

GeneDx
Classification: Benign. Last evaluated: 2014-03-14. Review status: criteria provided, single submitter. Criteria: GeneDx Variant Classification (06012015). Collection method: clinical testing. Allele origin: germline. Affected: yes. Not counted in ClinVar's aggregate classification.
Comment: This variant is considered likely benign or benign based on one or more of the following criteria: it is a conservative change, it occurs at a poorly conserved position in the protein, it is predicted to be benign by multiple in silico algorithms, and/or has population frequency not consistent with disease.

Mayo Clinic Laboratories, Mayo Clinic
Classification: Likely benign. Last evaluated: 2018-02-01. Review status: no assertion criteria provided. Collection method: clinical testing. Allele origin: unknown. Not counted in ClinVar's aggregate classification.

Counsyl
Classification: Likely benign for Breast-ovarian cancer, familial, susceptibility to, 2. Last evaluated: 2015-12-04. Review status: no assertion criteria provided. Collection method: clinical testing. Allele origin: unknown. Not counted in ClinVar's aggregate classification.

Breast Cancer Information Core (BIC) (BRCA2)
Classification: Uncertain significance for Breast-ovarian cancer, familial 2. Last evaluated: 1998-11-30. Review status: no assertion criteria provided. Collection method: clinical testing. Allele origin: germline. Affected: yes. Observed: 1 variant allele. Not counted in ClinVar's aggregate classification.

Literature cited by the submitters: DOI 10.3389/fgene.2022.834265 (cited by National Health Laboratory Service, Universitas Academic Hospital and University of the Free State); PubMed 17026620 (cited by Illumina Laboratory Services, Illumina); PubMed 19795481 (cited by Illumina Laboratory Services, Illumina); PubMed 18593900 (cited by 3 submitters); PubMed 24323938 (cited by Illumina Laboratory Services, Illumina and Women's Health and Genetics/Laboratory Corporation of America, LabCorp); PubMed 24489791 (cited by Illumina Laboratory Services, Illumina); PubMed 10453741 (cited by Women's Health and Genetics/Laboratory Corporation of America, LabCorp); PubMed 10644434 (cited by Women's Health and Genetics/Laboratory Corporation of America, LabCorp); PubMed 9971877 (cited by Counsyl).

NM_000059.4(BRCA2):c.9924C>T (p.Tyr3308=)

Gene: BRCA2 (BRCA2 DNA repair associated; plus strand). Cytogenetic location: 13q13.1.
Variant type: single nucleotide variant.
Coding change: c.9924C>T on transcript NM_000059.4 (MANE Select); coding-DNA position 9924, C replaced by T.
Protein change: p.Tyr3308=; no amino-acid change (tyrosine 3308 retained).
Molecular consequence: synonymous variant.
Genome position (GRCh38, 1-based): chr13:32,398,437, C>T. VCF-style: chr13-32398437-C-T. GRCh37 (hg19) VCF-style: chr13-32972574-C-T.
Other names: 10152C/T; p.Y3308Y:TAC>TAT; NP_000050.3:p.Tyr3308=.
Identifiers: ClinVar variation 52917 (VCV000052917.76), dbSNP rs4987049, ClinGen allele CA026333.